The following is an entry in ClinVar:

ClinVar aggregate classification (germline): Uncertain significance (1 of 4 stars; one submission).

Submission:

GeneDx
Classification: Uncertain significance. Last evaluated: 2026-04-22. Review status: criteria provided, single submitter. Criteria: GeneDx Variant Classification Process June 2021. Collection method: clinical testing. Allele origin: germline.
Comment: Not observed at significant frequency in large population cohorts (gnomAD); In silico analysis supports that this missense variant has a deleterious effect on protein structure/function; Has not been previously published as pathogenic or benign to our knowledge

NM_001197104.2(KMT2A):c.1367G>A (p.Cys456Tyr)

Gene: KMT2A (lysine methyltransferase 2A; plus strand). Cytogenetic location: 11q23.3.
Variant type: single nucleotide variant.
Coding change: c.1367G>A on transcript NM_001197104.2 (MANE Select); coding-DNA position 1367, G replaced by A.
Protein change: p.Cys456Tyr; replaces cysteine 456 with tyrosine.
Molecular consequence: missense variant.
Genome position (GRCh38, 1-based): chr11:118,472,526, G>A. VCF-style: chr11-118472526-G-A. GRCh37 (hg19) VCF-style: chr11-118343241-G-A.
Other names: c.1466G>A, p.Cys489Tyr (NM_001412597.1); c.1367G>A, p.Cys456Tyr (NM_005933.4); short protein forms C456Y, C489Y.
Identifiers: ClinVar variation 5037561 (VCV005037561.1).
Genomic context (GRCh38, chr11:118,472,526, plus strand): 5'-CTCCAATTAAAATTGCCCGATTAGAGTCTACACCGAATAGTAGATTCAGTGCCCCGTCCT[G>A]TGGATCTTCTGAAAAATCAAGTGCAGCTTCTCAGCACTCCTCTCAAATGTCTTCAGACTC-3'
Protein context (NP_001184033.1, residues 446-466): TPNSRFSAPS[Cys456Tyr]GSSEKSSAAS